The following is an entry in ClinVar:

NM_002203.4(ITGA2):c.*1635A>G

Gene: ITGA2 (integrin subunit alpha 2; plus strand). Cytogenetic location: 5q11.2.
Variant type: single nucleotide variant.
Coding change: c.*1635A>G on transcript NM_002203.4 (MANE Select); 1635 bases downstream of the stop codon, A replaced by G.
Molecular consequence: 3 prime UTR variant. On other transcripts: non-coding transcript variant (5).
Genome position (GRCh38, 1-based): chr5:53,092,234, A>G. VCF-style: chr5-53092234-A-G. GRCh37 (hg19) VCF-style: chr5-52388064-A-G.
Identifiers: ClinVar variation 906004 (VCV000906004.4), dbSNP rs192927707, ClinGen allele CA118880738.

ClinVar aggregate classification (germline): Benign (1 of 4 stars; one submission).

Conditions:
Platelet-type bleeding disorder 9 (BDPLT9). Also called: GLYCOPROTEIN Ia DEFICIENCY; GP Ia DEFICIENCY; COLLAGEN PLATELET RECEPTOR DEFICIENCY. Identifiers: Orphanet 73271, Orphanet 98886, MedGen C3280114, MONDO:0013622, OMIM 614200.

Allele frequency attached by ClinVar (database versions not stated): gnomAD 0.00062 and 0.00066; TOPMed 0.00076; 1000 Genomes Project 0.00120; 1000 Genomes Project 30x 0.00125.

Submission:

Illumina Laboratory Services, Illumina
Classification: Benign for Platelet-type bleeding disorder 9. Last evaluated: 2018-01-13. Review status: criteria provided, single submitter. Criteria: ICSL Variant Classification Criteria 13 December 2019. Collection method: clinical testing. Allele origin: germline.
Comment: This variant was observed in the ICSL laboratory as part of a predisposition screen in an ostensibly healthy population. It had not been previously curated by ICSL or reported in the Human Gene Mutation Database (HGMD: prior to June 1st, 2018), and was therefore a candidate for classification through an automated scoring system. Utilizing variant allele frequency, disease prevalence and penetrance estimates, and inheritance mode, an automated score was calculated to assess if this variant is too frequent to cause the disease. Based on the score and internal cut-off values, a variant classified as benign is not then subjected to further curation. The score for this variant resulted in a classification of benign for this disease.